The following is an entry in ClinVar:

NM_006267.5(RANBP2):c.917A>G (p.Asn306Ser)

Gene: RANBP2 (RAN binding protein 2; plus strand). Cytogenetic location: 2q13.
Variant type: single nucleotide variant.
Coding change: c.917A>G on transcript NM_006267.5 (MANE Select); coding-DNA position 917, A replaced by G.
Protein change: p.Asn306Ser; replaces asparagine 306 with serine.
Molecular consequence: missense variant.
Genome position (GRCh38, 1-based): chr2:108,740,623, A>G. VCF-style: chr2-108740623-A-G. GRCh37 (hg19) VCF-style: chr2-109357079-A-G.
Other names: short protein forms N306S.
Identifiers: ClinVar variation 942169 (VCV000942169.9), dbSNP rs565225481, ClinGen allele CA53433326.

ClinVar aggregate classification (germline): Conflicting classifications of pathogenicity. Review status: criteria provided, conflicting classifications (1 of 4 stars). 3 submissions from 3 submitters: Uncertain significance (2); Likely benign (1). Last evaluated 2022-12-01.

Conditions:
Familial acute necrotizing encephalopathy (IIAE3). Also called: ENCEPHALOPATHY, ACUTE, INFECTION-INDUCED, SUSCEPTIBILITY TO, 3; Susceptibility to Acute Necrotizing Encephalopathy 1. Identifiers: Orphanet 88619, MedGen C2675556, MONDO:0011953, OMIM 608033.

Allele frequency attached by ClinVar (database versions not stated): gnomAD exomes below 0.00001; gnomAD 0.00001 and 0.00002; 1000 Genomes Project 0.00020; 1000 Genomes Project 30x 0.00031.
gnomAD v4.1: 7 of 1,597,536 alleles (0.00044%); highest among the groups gnomAD compares: Admixed American, 0.0017%; no homozygotes.

Submissions (3):

Ambry Genetics
Classification: Uncertain significance. Last evaluated: 2022-12-01. Review status: criteria provided, single submitter. Criteria: Ambry Variant Classification Scheme 2023. Collection method: clinical testing. Allele origin: germline.

Blueprint Genetics
Classification: Likely benign. Last evaluated: 2022-10-19. Review status: criteria provided, single submitter. Criteria: ACMG Guidelines, 2015. Collection method: clinical testing. Allele origin: germline.

Labcorp Genetics (formerly Invitae), Labcorp
Classification: Uncertain significance for Familial acute necrotizing encephalopathy. Last evaluated: 2022-03-23. Review status: criteria provided, single submitter. Criteria: Invitae Variant Classification Sherloc (09022015). Collection method: clinical testing. Allele origin: germline.
Comment: In summary, the available evidence is currently insufficient to determine the role of this variant in disease. Therefore, it has been classified as a Variant of Uncertain Significance. Algorithms developed to predict the effect of missense changes on protein structure and function (SIFT, PolyPhen-2, Align-GVGD) all suggest that this variant is likely to be tolerated. ClinVar contains an entry for this variant (Variation ID: 942169). This variant has not been reported in the literature in individuals affected with RANBP2-related conditions. This variant is present in population databases (rs565225481, gnomAD 0.0009%). This sequence change replaces asparagine, which is neutral and polar, with serine, which is neutral and polar, at codon 306 of the RANBP2 protein (p.Asn306Ser).